The following is an entry in ClinVar:

ClinVar aggregate classification (germline): Pathogenic/Likely pathogenic. Review status: criteria provided, multiple submitters, no conflicts (2 of 4 stars). 3 submissions from 3 submitters: Pathogenic (1); Likely pathogenic (2). Last evaluated 2025-02-05.

Conditions:
Pendred syndrome (PDS). Also called: THYROID DYSHORMONOGENESIS 2B; THYROID HORMONOGENESIS, GENETIC DEFECT IN, 2B; Pendred Syndrome (PDS); DEAFNESS WITH GOITER; GOITER-DEAFNESS SYNDROME; HYPOTHYROIDISM, CONGENITAL, DUE TO DYSHORMONOGENESIS, 2B. Identifiers: Orphanet 705, MedGen C0271829, MONDO:0010134, OMIM 274600.
Autosomal recessive nonsyndromic hearing loss 4 (DFNB4). Also called: FOXI1-Related Pendred Syndrome; KCNJ10-Related Pendred Syndrome; NEUROSENSORY NONSYNDROMIC RECESSIVE DEAFNESS 4; Deafness, autosomal recessive 4; Nonsyndromic enlarged vestibular aqueduct (NSEVA); DEAFNESS, AUTOSOMAL RECESSIVE 4, WITH ENLARGED VESTIBULAR AQUEDUCT, DIGENIC. Identifiers: Orphanet 90636, MedGen C3538946, MONDO:0010933, OMIM 600791.

Submissions (3):

Natera, Inc.
Classification: Likely pathogenic for Pendred syndrome. Last evaluated: 2025-02-05. Review status: criteria provided, single submitter. Criteria: Natera Variant Classification Schema (03/2026). Collection method: clinical testing. Allele origin: germline.
Comment: The c.1370A>T variant in SLC26A4 is a missense variant predicted to cause substitution of asparagine to isoleucine at amino acid 457. This variant is rare in the general population with a frequency below the threshold expected for the associated phenotype(s). This variant has been observed in one or more individuals affected with the associated recessive disease, as either homozygous or compound heterozygous with a second variant (PMID: 23638949, 29986705). A different variant at the same position has been determined to be Pathogenic or Likely Pathogenic. Computational prediction algorithms indicate this variant is likely to affect gene or protein function. Given the available evidence, this variant is classified as Likely Pathogenic.

Baylor Genetics
Classification: Likely pathogenic for Autosomal recessive nonsyndromic hearing loss 4. Last evaluated: 2023-09-10. Review status: criteria provided, single submitter. Criteria: ACMG Guidelines, 2015. Collection method: clinical testing. Allele origin: unknown.

Labcorp Genetics (formerly Invitae), Labcorp
Classification: Pathogenic. Last evaluated: 2023-08-31. Review status: criteria provided, single submitter. Criteria: Invitae Variant Classification Sherloc (09022015). Collection method: clinical testing. Allele origin: germline.
Comment: This sequence change replaces asparagine, which is neutral and polar, with isoleucine, which is neutral and non-polar, at codon 457 of the SLC26A4 protein (p.Asn457Ile). This variant is not present in population databases (gnomAD no frequency). This missense change has been observed in individuals with SLC26A4-related conditions (PMID: 23638949, 29986705). Advanced modeling of protein sequence and biophysical properties (such as structural, functional, and spatial information, amino acid conservation, physicochemical variation, residue mobility, and thermodynamic stability) performed at Invitae indicates that this missense variant is expected to disrupt SLC26A4 protein function. This variant disrupts the p.Asn457 amino acid residue in SLC26A4. Other variant(s) that disrupt this residue have been determined to be pathogenic (PMID: 12676893, 20597900, 31599023). This suggests that this residue is clinically significant, and that variants that disrupt this residue are likely to be disease-causing. For these reasons, this variant has been classified as Pathogenic.

Literature cited by the submitters: PubMed 23638949 (cited by Natera, Inc. and Labcorp Genetics (formerly Invitae), Labcorp); PubMed 29986705 (cited by Natera, Inc. and Labcorp Genetics (formerly Invitae), Labcorp); PubMed 12676893 (cited by Labcorp Genetics (formerly Invitae), Labcorp); PubMed 20597900 (cited by Labcorp Genetics (formerly Invitae), Labcorp); PubMed 31599023 (cited by Labcorp Genetics (formerly Invitae), Labcorp).

NM_000441.2(SLC26A4):c.1370A>T (p.Asn457Ile)

Gene: SLC26A4 (solute carrier family 26 member 4; plus strand). Cytogenetic location: 7q22.3.
Variant type: single nucleotide variant.
Coding change: c.1370A>T on transcript NM_000441.2 (MANE Select); coding-DNA position 1370, A replaced by T.
Protein change: p.Asn457Ile; replaces asparagine 457 with isoleucine.
Molecular consequence: missense variant.
Genome position (GRCh38, 1-based): chr7:107,694,649, A>T. VCF-style: chr7-107694649-A-T. GRCh37 (hg19) VCF-style: chr7-107335094-A-T.
Other names: c.1370A>T (NM_000441.1); short protein forms N457I.
Identifiers: ClinVar variation 2678904 (VCV002678904.5), dbSNP rs1482605370, ClinGen allele CA368840604.